The following is an entry in ClinVar:

NM_000038.6(APC):c.4610C>T (p.Thr1537Ile)

Gene: APC (APC regulator of Wnt signaling pathway; plus strand). Cytogenetic location: 5q22.2.
Variant type: single nucleotide variant.
Coding change: c.4610C>T on transcript NM_000038.6 (MANE Select); coding-DNA position 4610, C replaced by T.
Protein change: p.Thr1537Ile; replaces threonine 1537 with isoleucine.
Molecular consequence: missense variant.
Genome position (GRCh38, 1-based): chr5:112,840,204, C>T. VCF-style: chr5-112840204-C-T. GRCh37 (hg19) VCF-style: chr5-112175901-C-T.
Other names: c.4610C>T, p.Thr1537Ile (NM_001127510.3, NM_001354895.2, NM_001407450.1); c.4556C>T, p.Thr1519Ile (NM_001127511.3); c.4664C>T, p.Thr1555Ile (NM_001354896.2, NM_001407447.1, NM_001407448.1 and 1 more transcripts); c.4640C>T, p.Thr1547Ile (NM_001354897.2); c.4535C>T, p.Thr1512Ile (NM_001354898.2); c.4526C>T, p.Thr1509Ile (NM_001354899.2); c.4487C>T, p.Thr1496Ile (NM_001354900.2); c.4433C>T, p.Thr1478Ile (NM_001354901.2, NM_001407453.1); and 11 more; short protein forms T1411I, T1436I, T1547I, T1153I, T1254I, T1496I, T1512I, T1530I.
Identifiers: ClinVar variation 1741890 (VCV001741890.2), dbSNP rs2149918952, ClinGen allele CA16031432.

ClinVar aggregate classification (germline): Uncertain significance (1 of 4 stars; one submission).

Conditions:
Hereditary cancer-predisposing syndrome. Also called: Hereditary Cancer Syndrome; Hereditary neoplastic syndrome; Neoplastic Syndromes, Hereditary; Tumor predisposition. Identifiers: Orphanet 140162, MedGen C0027672, MeSH D009386, MONDO:0015356.

Submission:

Ambry Genetics
Classification: Uncertain significance for Hereditary cancer-predisposing syndrome. Last evaluated: 2021-03-23. Review status: criteria provided, single submitter. Criteria: Ambry Variant Classification Scheme 2023. Collection method: clinical testing. Allele origin: germline.
Comment: The p.T1537I variant (also known as c.4610C>T), located in coding exon 15 of the APC gene, results from a C to T substitution at nucleotide position 4610. The threonine at codon 1537 is replaced by isoleucine, an amino acid with similar properties. This amino acid position is not well conserved in available vertebrate species. In addition, in silico predictors for this gene do not accurately predict pathogenicity. Since supporting evidence is limited at this time, the clinical significance of this alteration remains unclear.